The following is an entry in ClinVar:

ClinVar aggregate classification (germline): Benign/Likely benign. Review status: criteria provided, multiple submitters, no conflicts (2 of 4 stars). 7 submissions from 7 submitters: Benign (1); Likely benign (5). 1 of the submissions does not count toward it. Last evaluated 2026-01-25.

Conditions:
Hereditary angioedema type 3 (HAE3). Also called: HAE WITH NORMAL C1 INHIBITOR CONCENTRATION AND FUNCTION; ANGIONEUROTIC EDEMA, HEREDITARY, WITH NORMAL C1 INHIBITOR CONCENTRATION AND FUNCTION; ESTROGEN-RELATED HAE; ESTROGEN-SENSITIVE HAE. Identifiers: Orphanet 100054, MedGen C1857728, MONDO:0012526, OMIM 610618.
Factor XII deficiency disease. Also called: F12 DEFICIENCY; HAF DEFICIENCY; Congenital factor XII deficiency; Reduced factor XII activity. Identifiers: Orphanet 330, MedGen C0015526, MONDO:0009315, OMIM 234000, HP:0004841.
F12-related disorder. Also called: F12-related disorders; F12-related condition. Identifiers: MedGen CN239389.

Allele frequency attached by ClinVar (database versions not stated): gnomAD exomes 0.00045 and 0.00122; ExAC 0.00181; ESP Exome Variant Server 0.00433; gnomAD 0.00457 and 0.00486; TOPMed 0.00461; 1000 Genomes Project 0.00579; 1000 Genomes Project 30x 0.00625.
gnomAD v4.1: 1,404 of 1,605,790 alleles (0.087%); highest among the groups gnomAD compares: African/African-American, 1.6%; 7 homozygotes.

Submissions (7):

Labcorp Genetics (formerly Invitae), Labcorp
Classification: Benign. Last evaluated: 2026-01-25. Review status: criteria provided, single submitter. Criteria: Invitae Variant Classification Sherloc (09022015). Collection method: clinical testing. Allele origin: germline.

Mayo Clinic Laboratories, Mayo Clinic
Classification: Likely benign. Last evaluated: 2025-10-08. Review status: criteria provided, single submitter. Criteria: ACMG Guidelines, 2015. Collection method: clinical testing. Allele origin: germline. Observed: 3 variant alleles.
Comment: BS1, BP4, BP7

Blueprint Genetics
Classification: Likely benign. Last evaluated: 2024-10-22. Review status: criteria provided, single submitter. Criteria: ACMG Guidelines, 2015. Collection method: clinical testing. Allele origin: germline.

Fulgent Genetics
Classification: Likely benign for Factor XII deficiency disease; Hereditary angioedema type 3. Last evaluated: 2021-10-27. Review status: criteria provided, single submitter. Criteria: ACMG Guidelines, 2015. Collection method: clinical testing. Allele origin: unknown.

Illumina Laboratory Services, Illumina
Classification: Likely benign for Hereditary angioedema type 3. Last evaluated: 2017-04-27. Review status: criteria provided, single submitter. Criteria: ICSL Variant Classification Criteria 13 December 2019. Collection method: clinical testing. Allele origin: germline.
Comment: This variant was observed as part of a predisposition screen in an ostensibly healthy population. A literature search was performed for the gene, cDNA change, and amino acid change (where applicable). No publications were found based on this search. Allele frequency data from public databases allowed determination this variant is unlikely to cause disease. Therefore, this variant is classified as likely benign.

Breakthrough Genomics
Classification: Likely benign. Review status: criteria provided, single submitter. Criteria: ACMG Guidelines, 2015. Collection method: not provided. Allele origin: germline. Inheritance: Autosomal recessive inheritance. Affected: yes.

PreventionGenetics, part of Exact Sciences
Classification: Benign for F12-related condition. Last evaluated: 2024-07-08. Review status: no assertion criteria provided. Collection method: clinical testing. Allele origin: germline. Not counted in ClinVar's aggregate classification.
Comment: This variant is classified as benign based on ACMG/AMP sequence variant interpretation guidelines (Richards et al. 2015 PMID: 25741868, with internal and published modifications).

NM_000505.4(F12):c.1272G>C (p.Thr424=)

Gene: F12 (coagulation factor XII; minus strand). Cytogenetic location: 5q35.3.
Variant type: single nucleotide variant.
Coding change: c.1272G>C on transcript NM_000505.4 (MANE Select); coding-DNA position 1272, G replaced by C.
Protein change: p.Thr424=; no amino-acid change (threonine 424 retained).
Molecular consequence: synonymous variant.
Genome position (GRCh38, 1-based): chr5:177,403,596, C>G on the plus strand (G>C on the coding strand, the complement: F12 is on the minus strand). VCF-style: chr5-177403596-C-G. GRCh37 (hg19) VCF-style: chr5-176830597-C-G.
Other names: p.Thr424=.
Identifiers: ClinVar variation 352988 (VCV000352988.25), dbSNP rs61737766, ClinGen allele CA3581207.